The following is an entry in ClinVar:

NM_016519.6(AMBN):c.1340C>T (p.Pro447Leu)

Gene: AMBN (ameloblastin; plus strand). Cytogenetic location: 4q13.3.
Variant type: single nucleotide variant.
Coding change: c.1340C>T on transcript NM_016519.6 (MANE Select); coding-DNA position 1340, C replaced by T.
Protein change: p.Pro447Leu; replaces proline 447 with leucine.
Molecular consequence: missense variant.
Genome position (GRCh38, 1-based): chr4:70,606,726, C>T. VCF-style: chr4-70606726-C-T. GRCh37 (hg19) VCF-style: chr4-71472443-C-T.
Other names: short protein forms P447L.
Identifiers: ClinVar variation 3340822 (VCV003340822.2).

ClinVar aggregate classification (germline): Conflicting classifications of pathogenicity. Review status: criteria provided, conflicting classifications (1 of 4 stars). 2 submissions from 2 submitters: Pathogenic (1); Uncertain significance (1). Last evaluated 2026-04-30.

Conditions:
Amelogenesis imperfecta type 1F (AI1F). Also called: AMELOGENESIS IMPERFECTA, HYPOPLASTIC TYPE IF; Amelogenesis imperfecta, type IF. Identifiers: Orphanet 88661, MedGen C4225394, MONDO:0014560, OMIM 616270.

gnomAD v4.1: 1 of 1,609,550 alleles (0.000062%); highest among the groups gnomAD compares: Admixed American, 0.0017%; no homozygotes.

Submissions (2):

Wang Lab, School of Dentistry, National Taiwan University
Classification: Pathogenic for Amelogenesis imperfecta type 1F. Last evaluated: 2026-04-30. Review status: criteria provided, single submitter. Criteria: ACMG Guidelines, 2015. Collection method: research. Allele origin: germline. Inheritance: Autosomal dominant inheritance. Affected: yes. Observed: 5 variant alleles, 5 heterozygotes. Clinical features observed: Amelogenesis imperfecta (HP:0000705).
Comment: The p.Pro447Leu variant in AMBN were identified from two unrelated Taiwanese families with autosomal dominant hypoplastic amelogenesis imperfecta, segregated with the disease in at least 5 affected relatives, and was rarely (1/1609550) in gnomAD database. Additionally, in vitro functional studies revealed that the p.Pro447Leu mutant protein cause elevated ER stress, reduce cell survival, and induce apoptosis. In summary, the p.Pro447Leu variant meets our criteria to be classified as pathogenic.

GeneDx
Classification: Uncertain significance. Last evaluated: 2023-07-31. Review status: criteria provided, single submitter. Criteria: GeneDx Variant Classification Process June 2021. Collection method: clinical testing. Allele origin: germline. Affected: yes.
Comment: Observed with a second variant in the literature in a patient with hypoplastic amelogenesis imperfecta and testing of one parent suggests the variants are likely present on opposite alleles (in trans) (PMID: 31402633); Not observed at significant frequency in large population cohorts (gnomAD); In silico analysis supports that this missense variant has a deleterious effect on protein structure/function; This variant is associated with the following publications: (PMID: 31402633)

Literature cited by the submitters: PubMed 31402633 (cited by Wang Lab, School of Dentistry, National Taiwan University).